The following is an entry in ClinVar:

ClinVar aggregate classification (germline): Conflicting classifications of pathogenicity. Review status: criteria provided, conflicting classifications (1 of 4 stars). 2 submissions from 2 submitters: Uncertain significance (1); Likely benign (1). Last evaluated 2022-07-12.

Conditions:
Developmental and epileptic encephalopathy, 33 (DEE33). Also called: Epileptic encephalopathy, early infantile, 33. Identifiers: Orphanet 442835, MedGen C4225337, MONDO:0014625, OMIM 616409.

Submissions (2):

Labcorp Genetics (formerly Invitae), Labcorp
Classification: Uncertain significance for Developmental and epileptic encephalopathy, 33. Last evaluated: 2022-07-12. Review status: criteria provided, single submitter. Criteria: Invitae Variant Classification Sherloc (09022015). Collection method: clinical testing. Allele origin: germline.
Comment: This sequence change falls in intron 3 of the EEF1A2 gene. It does not directly change the encoded amino acid sequence of the EEF1A2 protein. It affects a nucleotide within the consensus splice site. In summary, the available evidence is currently insufficient to determine the role of this variant in disease. Therefore, it has been classified as a Variant of Uncertain Significance. Variants that disrupt the consensus splice site are a relatively common cause of aberrant splicing (PMID: 17576681, 9536098). Algorithms developed to predict the effect of sequence changes on RNA splicing suggest that this variant is not likely to affect RNA splicing. ClinVar contains an entry for this variant (Variation ID: 507067). This variant has not been reported in the literature in individuals affected with EEF1A2-related conditions. This variant is not present in population databases (gnomAD no frequency).

GeneDx
Classification: Likely benign. Last evaluated: 2018-06-14. Review status: criteria provided, single submitter. Criteria: GeneDx Variant Classification Process June 2021. Collection method: clinical testing. Allele origin: germline. Affected: yes.

Literature cited by the submitters: PubMed 17576681 (cited by Labcorp Genetics (formerly Invitae), Labcorp); PubMed 9536098 (cited by Labcorp Genetics (formerly Invitae), Labcorp).

NM_001958.5(EEF1A2):c.324+5dup

Gene: EEF1A2 (eukaryotic translation elongation factor 1 alpha 2; minus strand). Cytogenetic location: 20q13.33.
Variant type: Duplication.
Coding change: c.324+5dup on transcript NM_001958.5 (MANE Select); 5 bases into the intron after coding-DNA position 324, one base duplicated (G; older notation c.324+5dupG).
Molecular consequence: intron variant.
Genome position (GRCh38, 1-based): chr20:63,495,851, C duplicated on the plus strand (G on the coding strand, the reverse complement: EEF1A2 is on the minus strand). VCF-style (leftmost placement, unchanged base first): chr20-63495850-G-GC. GRCh37 (hg19) VCF-style: chr20-62127203-G-GC.
Other names: c.324+5dupG (NM_001958.3).
Identifiers: ClinVar variation 507067 (VCV000507067.10), dbSNP rs1555883860, ClinGen allele CA658799400.